The following is an entry in ClinVar:

NM_015272.5(RPGRIP1L):c.1341G>C (p.Leu447Phe)

Gene: RPGRIP1L (RPGRIP1 like; minus strand). Cytogenetic location: 16q12.2.
Variant type: single nucleotide variant.
Coding change: c.1341G>C on transcript NM_015272.5 (MANE Select); coding-DNA position 1341, G replaced by C.
Protein change: p.Leu447Phe; replaces leucine 447 with phenylalanine.
Molecular consequence: missense variant.
Genome position (GRCh38, 1-based): chr16:53,658,781, C>G on the plus strand (G>C on the coding strand, the complement: RPGRIP1L is on the minus strand). VCF-style: chr16-53658781-C-G. GRCh37 (hg19) VCF-style: chr16-53692693-C-G.
Other names: c.1341G>C, p.Leu447Phe (NM_001127897.4, NM_001308334.3, NM_001330538.2); short protein forms L447F.
Identifiers: ClinVar variation 4997883 (VCV004997883.1).

ClinVar aggregate classification (germline): Uncertain significance (1 of 4 stars; one submission).

Conditions:
RPGRIP1L-related disorder. Also called: RPGRIP1L-related disorders; RPGRIP1L-related condition. Identifiers: MedGen CN239416.

gnomAD v4.1: 8 of 1,591,940 alleles (0.0005%); highest among the groups gnomAD compares: Non-Finnish European, 0.00052%; no homozygotes.

Submission:

PreventionGenetics, part of Exact Sciences
Classification: Uncertain significance for RPGRIP1L-related condition. Last evaluated: 2025-05-23. Review status: criteria provided, single submitter. Criteria: ACMG Guidelines, 2015. Collection method: clinical testing. Allele origin: germline.
Comment: The RPGRIP1L c.1341G>C variant is predicted to result in the amino acid substitution p.Leu447Phe. To our knowledge, this variant has not been reported in the literature. This variant is reported in 0.0019% of alleles in individuals of European (Non-Finnish) descent in gnomAD. Another variant affecting the same amino acid position, c.1340T>C, p.(Leu447Ser), has been reported by in individuals with Bardet-Biedl syndrome, Joubert Syndrome, focal and segmental glomerulosclerosis, or developmental disorders (for example, Khanna et al. 2009. PubMed ID: 19430481; Supplemental Table II, Summers et al. 2017. PubMed ID: 28497568; Table S4, Wang et al. 2019. PubMed ID: 31308072; Supplementary Data 3, Zhou et al. 2022. PubMed ID: 35982159); however, this p.(Leu447Ser) variant is present at a higher allele frequency than expected for disease and is interpreted as benign to uncertain in ClinVar. Taken together, at this time, the clinical significance of the c.1341G>C, p.(Leu447Phe) variant is uncertain due to the absence of conclusive functional and genetic evidence.